The following is an entry in ClinVar:

NM_001127671.2(LIFR):c.1687G>T (p.Glu563Ter)

Gene: LIFR (LIF receptor subunit alpha; minus strand). Cytogenetic location: 5p13.1.
Variant type: single nucleotide variant.
Coding change: c.1687G>T on transcript NM_001127671.2 (MANE Select); coding-DNA position 1687, G replaced by T.
Protein change: p.Glu563Ter; replaces glutamic acid 563 with a stop codon.
Molecular consequence: nonsense.
Genome position (GRCh38, 1-based): chr5:38,496,580, C>A on the plus strand (G>T on the coding strand, the complement: LIFR is on the minus strand). VCF-style: chr5-38496580-C-A. GRCh37 (hg19) VCF-style: chr5-38496682-C-A.
Other names: c.1687G>T, p.Glu563Ter (NM_001364297.2, NM_001364298.2, NM_002310.6); short protein forms E563*.
Identifiers: ClinVar variation 1451647 (VCV001451647.6), dbSNP rs867776788, ClinGen allele CA359540362.

ClinVar aggregate classification (germline): Pathogenic (1 of 4 stars; one submission).

Submission:

Labcorp Genetics (formerly Invitae), Labcorp
Classification: Pathogenic. Last evaluated: 2020-12-01. Review status: criteria provided, single submitter. Criteria: Invitae Variant Classification Sherloc (09022015). Collection method: clinical testing. Allele origin: germline.
Comment: This sequence change creates a premature translational stop signal (p.Glu563*) in the LIFR gene. It is expected to result in an absent or disrupted protein product. Loss-of-function variants in LIFR are known to be pathogenic (PMID: 14740318). This variant is not present in population databases (ExAC no frequency). This variant has not been reported in the literature in individuals with LIFR-related conditions. For these reasons, this variant has been classified as Pathogenic.

Literature cited by the submitters: PubMed 14740318.